The following is an entry in ClinVar:

NM_000936.4(PNLIP):c.958G>C (p.Gly320Arg)

Gene: PNLIP (pancreatic lipase; plus strand). Cytogenetic location: 10q25.3.
Variant type: single nucleotide variant.
Coding change: c.958G>C on transcript NM_000936.4 (MANE Select); coding-DNA position 958, G replaced by C.
Protein change: p.Gly320Arg; replaces glycine 320 with arginine.
Molecular consequence: missense variant.
Genome position (GRCh38, 1-based): chr10:116,559,181, G>C. VCF-style: chr10-116559181-G-C. GRCh37 (hg19) VCF-style: chr10-118318693-G-C.
Other names: short protein forms G320R.
Identifiers: ClinVar variation 2025901 (VCV002025901.4), dbSNP rs1847287541, ClinGen allele CA378497597.

ClinVar aggregate classification (germline): Uncertain significance (1 of 4 stars; one submission).

Submission:

Labcorp Genetics (formerly Invitae), Labcorp
Classification: Uncertain significance. Last evaluated: 2022-08-21. Review status: criteria provided, single submitter. Criteria: Invitae Variant Classification Sherloc (09022015). Collection method: clinical testing. Allele origin: germline.
Comment: In summary, the available evidence is currently insufficient to determine the role of this variant in disease. Therefore, it has been classified as a Variant of Uncertain Significance. Algorithms developed to predict the effect of missense changes on protein structure and function are either unavailable or do not agree on the potential impact of this missense change (SIFT: "Not Available"; PolyPhen-2: "Probably Damaging"; Align-GVGD: "Not Available"). This variant has not been reported in the literature in individuals affected with PNLIP-related conditions. This variant is not present in population databases (gnomAD no frequency). This sequence change replaces glycine, which is neutral and non-polar, with arginine, which is basic and polar, at codon 320 of the PNLIP protein (p.Gly320Arg).